The following is an entry in ClinVar:

NM_001849.4(COL6A2):c.1332+1G>A

Gene: COL6A2 (collagen type VI alpha 2 chain; plus strand). Cytogenetic location: 21q22.3.
Variant type: single nucleotide variant.
Coding change: c.1332+1G>A on transcript NM_001849.4 (MANE Select); the canonical splice donor site of the intron after coding-DNA position 1332, G replaced by A.
Molecular consequence: splice donor variant.
Genome position (GRCh38, 1-based): chr21:46,119,851, G>A. VCF-style: chr21-46119851-G-A. GRCh37 (hg19) VCF-style: chr21-47539765-G-A.
Other names: c.1332+1G>A (NM_058175.3, NM_058174.3).
Identifiers: ClinVar variation 4690847 (VCV004690847.1).

ClinVar aggregate classification (germline): Pathogenic (1 of 4 stars; one submission).

Conditions:
Bethlem myopathy 1A. Also called: MYOPATHY, BENIGN CONGENITAL, WITH CONTRACTURES; Bethlem myopathy 1; Bethlem Muscular Dystrophy. Identifiers: Orphanet 610, MedGen CN029274, MONDO:0024530, OMIM 158810.

Submission:

Labcorp Genetics (formerly Invitae), Labcorp
Classification: Pathogenic for Bethlem myopathy 1A. Last evaluated: 2025-07-30. Review status: criteria provided, single submitter. Criteria: Invitae Variant Classification Sherloc (09022015). Collection method: clinical testing. Allele origin: germline.
Comment: This sequence change affects a donor splice site in intron 15 of the COL6A2 gene. It is expected to disrupt RNA splicing. Variants that disrupt the donor or acceptor splice site typically lead to a loss of protein function (PMID: 16199547), and loss-of-function variants in COL6A2 are known to be disease-causing for autosomal recessive COL6A2-related conditions (PMID: 21280092, 20976770). However, certain variants affecting donor or acceptor splice sites in the triple helical domain of COL6A2 are expected to result in in-frame exon skipping and have been reported to cause autosomal dominant COL6A2-related conditions (PMID: 18366090). This variant is not present in population databases (gnomAD no frequency). Disruption of this splice site has been observed in individuals with autosomal recessive COL6A2-related conditions (PMID: 28600779; internal data). Algorithms developed to predict the effect of sequence changes on RNA splicing suggest that this variant may disrupt the consensus splice site. For these reasons, this variant has been classified as Pathogenic.

Literature cited by the submitters: PubMed 16199547; PubMed 21280092; PubMed 20976770; PubMed 18366090; PubMed 28600779.